The following is an entry in ClinVar:

NM_001174089.2(SLC4A11):c.1204_1205dup (p.Leu403fs)

Gene: SLC4A11 (solute carrier family 4 member 11; minus strand). Cytogenetic location: 20p13.
Variant type: Duplication.
Coding change: c.1204_1205dup on transcript NM_001174089.2 (MANE Select); coding-DNA positions 1204 to 1205, 2 bases duplicated (GG; older notation c.1204_1205dupGG).
Protein change: p.Leu403fs; shifts the reading frame from leucine 403.
Molecular consequence: frameshift variant. On other transcripts: non-coding transcript variant (3), intron variant (2).
Genome position (GRCh38, 1-based): chr20:3,230,809-3,230,810, CC duplicated on the plus strand (GG on the coding strand, the reverse complement: SLC4A11 is on the minus strand); duplicating any 2 consecutive bases within chr20:3,230,809-3,230,813 gives the same sequence; the c. name uses the placement nearest the transcript's 3' end. VCF-style (leftmost placement, unchanged base first): chr20-3230808-G-GCC. GRCh37 (hg19) VCF-style: chr20-3211454-G-GCC.
Other names: c.1252_1253dup, p.Leu419fs (NM_032034.4); c.1168+123_1168+124dup (NM_001363745.2); c.1297+123_1297+124dup (NM_001400280.1); c.1333_1334dup, p.Leu446fs (NM_001174090.2); c.1147_1148dup, p.Leu384fs (NM_001400277.1, NM_001400278.1, NM_001400279.1); short protein forms L384fs, L403fs, L419fs, L446fs.
Identifiers: ClinVar variation 4816298 (VCV004816298.1).

ClinVar aggregate classification (germline): Likely pathogenic (1 of 4 stars; one submission).

Conditions:
Corneal dystrophy-perceptive deafness syndrome (CDPD). Also called: CORNEAL DYSTROPHY AND SENSORINEURAL DEAFNESS; HARBOYAN SYNDROME. Identifiers: Orphanet 1490, MedGen C1857572, MONDO:0009015, OMIM 217400.

Submission:

Natera, Inc.
Classification: Likely pathogenic for Corneal dystrophy-perceptive deafness syndrome. Last evaluated: 2024-10-04. Review status: criteria provided, single submitter. Criteria: Natera Variant Classification Schema (03/2026). Collection method: clinical testing. Allele origin: germline.
Comment: The c.1252_1253dupGG variant in SLC4A11 is a frameshift variant predicted to shift the reading frame beginning at codon 419 and leads to a stop codon 13 codons downstream. This variant is expected to result in nonsense mediated decay, truncation, or a dysfunctional protein product. This variant is rare in the general population with a frequency below the threshold expected for the associated phenotype(s). Given the available evidence, this variant is classified as Likely Pathogenic.